The following is an entry in ClinVar:

NC_000016.9:g.(?_628765)_(633035_?)dup

Gene: PIGQ (phosphatidylinositol glycan anchor biosynthesis class Q; plus strand). Cytogenetic location: 16p13.3.
Variant type: Duplication.
Identifiers: ClinVar variation 3243223 (VCV003243223.1).

ClinVar aggregate classification (germline): Uncertain significance (1 of 4 stars; one submission).

Conditions:
Epilepsy. Also called: Seizure disorder. Identifiers: MedGen C0014544, MeSH D004827, MONDO:0005027.

Submission:

Labcorp Genetics (formerly Invitae), Labcorp
Classification: Uncertain significance for Epilepsy. Last evaluated: 2023-12-19. Review status: criteria provided, single submitter. Criteria: Invitae Variant Classification Sherloc (09022015). Collection method: clinical testing. Allele origin: unknown.
Comment: This variant results in a copy number gain of the genomic region encompassing exon(s) 6-11 of the PIGQ gene. This region includes the termination codon of the gene. This copy number gain extends beyond the assayed region for this gene and therefore may encompass additional genes. As the precise location of this event is unknown, it may be in tandem or it may be located elsewhere in the genome. This variant has not been reported in the literature in individuals affected with PIGQ-related conditions. Experimental studies and prediction algorithms are not available or were not evaluated, and the functional significance of this variant is currently unknown. In summary, the available evidence is currently insufficient to determine the role of this variant in disease. Therefore, it has been classified as a Variant of Uncertain Significance.